The following is an entry in ClinVar:

NM_001374504.1(TMPRSS6):c.1643G>T (p.Cys548Phe)

Gene: TMPRSS6 (transmembrane serine protease 6; minus strand). Cytogenetic location: 22q12.3.
Variant type: single nucleotide variant.
Coding change: c.1643G>T on transcript NM_001374504.1 (MANE Select); coding-DNA position 1643, G replaced by T.
Protein change: p.Cys548Phe; replaces cysteine 548 with phenylalanine.
Molecular consequence: missense variant.
Genome position (GRCh38, 1-based): chr22:37,070,945, C>A on the plus strand (G>T on the coding strand, the complement: TMPRSS6 is on the minus strand). VCF-style: chr22-37070945-C-A. GRCh37 (hg19) VCF-style: chr22-37466985-C-A.
Other names: c.1643G>T, p.Cys548Phe (NM_001289000.2, NM_001289001.2, NM_153609.4); short protein forms C557F, C548F.
Identifiers: ClinVar variation 453123 (VCV000453123.2), dbSNP rs1402839481, ClinGen allele CA411420168.

ClinVar aggregate classification (germline): Uncertain significance (1 of 4 stars; one submission).

Allele frequency attached by ClinVar (database versions not stated): gnomAD 0.00002; TOPMed 0.00003.

Submission:

GeneDx
Classification: Uncertain significance. Last evaluated: 2017-10-31. Review status: criteria provided, single submitter. Criteria: GeneDx Variant Classification (06012015). Collection method: clinical testing. Allele origin: germline. Affected: yes.
Comment: The C557F variant in the TMPRSS6 gene has not been reported previously as a pathogenic variant, nor as a benign variant, to our knowledge. The C557F variant is not observed in large population cohorts (Lek et al., 2016). The C557F variant is a non-conservative amino acid substitution, which is likely to impact secondary protein structure as these residues differ in polarity, charge, size and/or other properties. This substitution occurs at a position that is conserved across species. In silico analysis predicts this variant is probably damaging to the protein structure/function. We interpret C557F as a variant of uncertain significance.